The following is an entry in ClinVar:

ClinVar aggregate classification (germline): Benign/Likely benign. Review status: criteria provided, multiple submitters, no conflicts (2 of 4 stars). 2 submissions from 2 submitters: Benign (1); Likely benign (1). Last evaluated 2026-05-14.

Conditions:
Neurofibromatosis, type 1 (NF1). Also called: VON RECKLINGHAUSEN DISEASE; NEUROFIBROMATOSIS, TYPE I, SOMATIC; Neurofibromatosis, type I; Peripheral type neurofibromatosis. Identifiers: Orphanet 636, MedGen C0027831, MONDO:0018975, OMIM 162200. Disease mechanism: loss of function.

Submissions (2):

Myriad Genetics, Inc.
Classification: Benign for Neurofibromatosis, type 1. Last evaluated: 2026-05-14. Review status: criteria provided, single submitter. Criteria: Myriad Autosomal Dominant, Autosomal Recessive and X-Linked Classification Criteria (2023). Collection method: clinical testing. Allele origin: unknown.
Comment: This variant is considered benign. This variant is a silent/synonymous amino acid change and it is not expected to impact splicing.

Labcorp Genetics (formerly Invitae), Labcorp
Classification: Likely benign for Neurofibromatosis, type 1. Last evaluated: 2024-03-01. Review status: criteria provided, single submitter. Criteria: Invitae Variant Classification Sherloc (09022015). Collection method: clinical testing. Allele origin: germline.

NM_001042492.3(NF1):c.357T>C (p.His119=)

Gene: NF1 (neurofibromin 1; plus strand). Cytogenetic location: 17q11.2.
Variant type: single nucleotide variant.
Coding change: c.357T>C on transcript NM_001042492.3 (MANE Select); coding-DNA position 357, T replaced by C.
Protein change: p.His119=; no amino-acid change (histidine 119 retained).
Molecular consequence: synonymous variant.
Genome position (GRCh38, 1-based): chr17:31,163,254, T>C. VCF-style: chr17-31163254-T-C. GRCh37 (hg19) VCF-style: chr17-29490272-T-C.
Other names: c.357T>C, p.His119= (NM_000267.4, NM_001128147.3).
Identifiers: ClinVar variation 3003182 (VCV003003182.4), dbSNP rs2544700663, ClinGen allele CA499200363.